The following is an entry in ClinVar:

ClinVar aggregate classification (germline): Uncertain significance (1 of 4 stars; one submission).

Allele frequency attached by ClinVar (database versions not stated): TOPMed below 0.00001.

Submission:

GeneDx
Classification: Uncertain significance. Last evaluated: 2022-12-05. Review status: criteria provided, single submitter. Criteria: GeneDx Variant Classification Process June 2021. Collection method: clinical testing. Allele origin: germline. Affected: yes.
Comment: Not observed at significant frequency in large population cohorts (gnomAD); In silico analysis supports that this missense variant does not alter protein structure/function; Has not been previously published as pathogenic or benign to our knowledge

NM_031407.7(HUWE1):c.6805G>A (p.Ala2269Thr)

Gene: HUWE1 (HECT, UBA and WWE domain containing E3 ubiquitin protein ligase 1; minus strand). Cytogenetic location: Xp11.22.
Variant type: single nucleotide variant.
Coding change: c.6805G>A on transcript NM_031407.7 (MANE Select); coding-DNA position 6805, G replaced by A.
Protein change: p.Ala2269Thr; replaces alanine 2269 with threonine.
Molecular consequence: missense variant.
Genome position (GRCh38, 1-based): chrX:53,565,142, C>T on the plus strand (G>A on the coding strand, the complement: HUWE1 is on the minus strand). VCF-style: chrX-53565142-C-T. GRCh37 (hg19) VCF-style: chrX-53592103-C-T.
Other names: short protein forms A2269T.
Identifiers: ClinVar variation 2504530 (VCV002504530.1), dbSNP rs1207148807, ClinGen allele CA413162275.
Genomic context (GRCh38, chrX:53,565,142, plus strand): 5'-TGCTACTGGAATCTTGAGAGGCTCCTTGGGCATCCTGCTCAGACTTGTTCTTGCTAGAAG[C>T]ACTCTTGCTGCCAAAAAGGCTACTGGGCTGGTTCACAATCCGGGAAAGTGTTTCCAAAGG-3'
Protein context (NP_113584.3, residues 2259-2279): QPSSLFGSKS[Ala2269Thr]SSKNKSEQDA